The following is an entry in ClinVar:

ClinVar aggregate classification (germline): Uncertain significance (1 of 4 stars; one submission).

Submission:

Labcorp Genetics (formerly Invitae), Labcorp
Classification: Uncertain significance. Last evaluated: 2022-03-12. Review status: criteria provided, single submitter. Criteria: Invitae Variant Classification Sherloc (09022015). Collection method: clinical testing. Allele origin: germline.
Comment: In summary, the available evidence is currently insufficient to determine the role of this variant in disease. Therefore, it has been classified as a Variant of Uncertain Significance. Algorithms developed to predict the effect of sequence changes on RNA splicing suggest that this variant may create or strengthen a splice site. Experimental studies and prediction algorithms are not available or were not evaluated, and the functional significance of this variant is currently unknown. This variant has not been reported in the literature in individuals affected with TUBGCP6-related conditions. This variant is not present in population databases (gnomAD no frequency). This sequence change results in a frameshift in the TUBGCP6 gene (p.Asn1559Leufs*271). While this is not anticipated to result in nonsense mediated decay, it is expected to disrupt the last 261 amino acid(s) of the TUBGCP6 protein and extend the protein by 9 additional amino acid residues.

NM_020461.4(TUBGCP6):c.4675_4676del (p.Asn1559fs)

Gene: TUBGCP6 (tubulin gamma complex component 6; minus strand). Cytogenetic location: 22q13.33.
Variant type: Deletion.
Coding change: c.4675_4676del on transcript NM_020461.4 (MANE Select); coding-DNA positions 4675 to 4676, 2 bases deleted (AA; older notation c.4675_4676delAA).
Protein change: p.Asn1559fs; shifts the reading frame from asparagine 1559.
Molecular consequence: frameshift variant.
Genome position (GRCh38, 1-based): chr22:50,218,848-50,218,849, TT deleted on the plus strand (AA on the coding strand, the reverse complement: TUBGCP6 is on the minus strand). VCF-style (leftmost placement, unchanged base first): chr22-50218847-GTT-G. GRCh37 (hg19) VCF-style: chr22-50657276-GTT-G.
Other names: short protein forms N1559fs.
Identifiers: ClinVar variation 2110150 (VCV002110150.4), dbSNP rs2519123497, ClinGen allele CA2580099936.